The following is an entry in ClinVar:

NM_000051.4(ATM):c.395C>T (p.Ser132Phe)

Gene: ATM (ATM serine/threonine kinase; plus strand). Cytogenetic location: 11q22.3.
Variant type: single nucleotide variant.
Coding change: c.395C>T on transcript NM_000051.4 (MANE Select); coding-DNA position 395, C replaced by T.
Protein change: p.Ser132Phe; replaces serine 132 with phenylalanine.
Molecular consequence: missense variant.
Genome position (GRCh38, 1-based): chr11:108,235,733, C>T. VCF-style: chr11-108235733-C-T. GRCh37 (hg19) VCF-style: chr11-108106460-C-T.
Other names: c.395C>T, p.Ser132Phe (NM_001351834.2); short protein forms S132F.
Identifiers: ClinVar variation 229670 (VCV000229670.24), dbSNP rs750969764, ClinGen allele CA6264599.

ClinVar aggregate classification (germline): Uncertain significance. Review status: criteria provided, multiple submitters, no conflicts (2 of 4 stars). 8 submissions from 8 submitters: Uncertain significance (7). 1 of the submissions does not count toward it. Last evaluated 2026-01-09.

Conditions:
Hereditary cancer-predisposing syndrome. Also called: Tumor predisposition; Hereditary neoplastic syndrome; Hereditary Cancer Syndrome; Neoplastic Syndromes, Hereditary. Identifiers: Orphanet 140162, MedGen C0027672, MeSH D009386, MONDO:0015356.
ATM-related cancer predisposition. Also called: ATM-related cancer susceptibility. Identifiers: MedGen CN377759, MONDO:0700270.
Ataxia-telangiectasia syndrome (AT). Also called: Ataxia telangiectasia (A-T); Ataxia-telangiectasia, complementation group E; ATAXIA-TELANGIECTASIA, COMPLEMENTATION GROUP A; ATAXIA-TELANGIECTASIA, FRESNO VARIANT; Ataxia-telangiectasia; Cerebello-oculocutaneous telangiectasia. Identifiers: Orphanet 100, MedGen C0004135, MONDO:0008840, OMIM 208900.

Allele frequency attached by ClinVar (database versions not stated): gnomAD 0.00003; gnomAD exomes below 0.00001; ExAC 0.00001; TOPMed 0.00004.

Submissions (8):

Ambry Genetics
Classification: Uncertain significance for Hereditary cancer-predisposing syndrome. Last evaluated: 2026-01-09. Review status: criteria provided, single submitter. Criteria: Ambry Variant Classification Scheme 2023. Collection method: clinical testing. Allele origin: germline.

Labcorp Genetics (formerly Invitae), Labcorp
Classification: Uncertain significance for Ataxia-telangiectasia syndrome. Last evaluated: 2026-01-05. Review status: criteria provided, single submitter. Criteria: Invitae Variant Classification Sherloc (09022015). Collection method: clinical testing. Allele origin: germline.
Comment: This sequence change replaces serine, which is neutral and polar, with phenylalanine, which is neutral and non-polar, at codon 132 of the ATM protein (p.Ser132Phe). This variant is present in population databases (rs750969764, gnomAD 0.008%). This missense change has been observed in individual(s) with breast cancer (PMID: 35264596). ClinVar contains an entry for this variant (Variation ID: 229670). Invitae Evidence Modeling of protein sequence and biophysical properties (such as structural, functional, and spatial information, amino acid conservation, physicochemical variation, residue mobility, and thermodynamic stability) indicates that this missense variant is not expected to disrupt ATM protein function with a negative predictive value of 95%. In summary, the available evidence is currently insufficient to determine the role of this variant in disease. Therefore, it has been classified as a Variant of Uncertain Significance.

GeneDx
Classification: Uncertain significance. Last evaluated: 2025-06-22. Review status: criteria provided, single submitter. Criteria: GeneDx Variant Classification Process June 2021. Collection method: clinical testing. Allele origin: germline. Affected: yes.
Comment: Not observed at significant frequency in large population cohorts (gnomAD); In silico analysis suggests that this missense variant does not alter protein structure/function; Has not been previously published as pathogenic or benign to our knowledge; This variant is associated with the following publications: (PMID: 35264596)

Dasa
Classification: Uncertain significance for ATM-related cancer predisposition. Last evaluated: 2025-05-08. Review status: criteria provided, single submitter. Criteria: DASA Assertion Criteria. Collection method: clinical testing. Allele origin: germline.
Comment: NM_000051.4(ATM):c.395C>T (p.Ser132Phe) is a missense variant that results in the substitution of serine with phenylalanine. This variant is rare in population databases. Computational prediction algorithms are consistent with a benign effect. The currently available literature and clinical evidence are not sufficient to establish a definitive association between this variant and the reported condition. Therefore, this variant is classified as a variant of uncertain significance.

Color Diagnostics, LLC DBA Color Health
Classification: Uncertain significance for Hereditary cancer-predisposing syndrome. Last evaluated: 2022-04-18. Review status: criteria provided, single submitter. Criteria: ACMG Guidelines, 2015. Collection method: clinical testing. Allele origin: germline.
Comment: This missense variant replaces serine with phenylalanine at codon 132 of the ATM protein. Computational prediction suggests that this variant may not impact protein structure and function (internally defined REVEL score threshold <= 0.5, PMID: 27666373). To our knowledge, functional studies have not been reported for this variant. This variant has not been reported in individuals affected with hereditary cancer in the literature. This variant has been identified in 2/282680 chromosomes in the general population by the Genome Aggregation Database (gnomAD). The available evidence is insufficient to determine the role of this variant in disease conclusively. Therefore, this variant is classified as a Variant of Uncertain Significance.

Mendelics
Classification: Uncertain significance for Ataxia-telangiectasia syndrome. Last evaluated: 2018-07-02. Review status: criteria provided, single submitter. Criteria: Mendelics Assertion Criteria 2017. Collection method: clinical testing. Allele origin: unknown.

PreventionGenetics, part of Exact Sciences
Classification: Uncertain significance. Last evaluated: 2017-06-29. Review status: criteria provided, single submitter. Criteria: ACMG Guidelines, 2015. Collection method: clinical testing. Allele origin: germline.

Natera, Inc.
Classification: Uncertain significance for Ataxia-telangiectasia. Last evaluated: 2020-10-29. Review status: no assertion criteria provided. Collection method: clinical testing. Allele origin: germline. Not counted in ClinVar's aggregate classification.

Literature cited by the submitters: PubMed 35264596 (cited by Labcorp Genetics (formerly Invitae), Labcorp).